The following is an entry in ClinVar:

NM_015041.3(CLUAP1):c.420_427del (p.Arg141fs)

Gene: CLUAP1 (clusterin associated protein 1; plus strand). Cytogenetic location: 16p13.3.
Variant type: Deletion.
Coding change: c.420_427del on transcript NM_015041.3 (MANE Select); coding-DNA positions 420 to 427, 8 bases deleted (CAGGCAGC; older notation c.420_427delCAGGCAGC).
Protein change: p.Arg141fs; shifts the reading frame from arginine 141.
Molecular consequence: frameshift variant. On other transcripts: intron variant (1).
Genome position (GRCh38, 1-based): chr16:3,512,403-3,512,410, CAGGCAGC deleted; deleting any 8 consecutive bases within chr16:3,512,396-3,512,410 gives the same sequence; the c. name uses the placement nearest the transcript's 3' end. VCF-style (leftmost placement, unchanged base first): chr16-3512395-AAGGCAGCC-A. GRCh37 (hg19) VCF-style: chr16-3562395-AAGGCAGCC-A.
Other names: c.420_427del, p.Arg141fs (NM_001330454.2); c.-4+2434_-4+2441del (NM_024793.3); short protein forms R141fs.
Identifiers: ClinVar variation 1476937 (VCV001476937.6), dbSNP rs2151049520, ClinGen allele CA2573152031.

ClinVar aggregate classification (germline): Uncertain significance (1 of 4 stars; one submission).

Submission:

Labcorp Genetics (formerly Invitae), Labcorp
Classification: Uncertain significance. Last evaluated: 2021-03-27. Review status: criteria provided, single submitter. Criteria: Invitae Variant Classification Sherloc (09022015). Collection method: clinical testing. Allele origin: germline.
Comment: In summary, the available evidence is currently insufficient to determine the role of this variant in disease. Therefore, it has been classified as a Variant of Uncertain Significance. This variant has not been reported in the literature in individuals with CLUAP1-related conditions. This variant is not present in population databases (ExAC no frequency). This sequence change creates a premature translational stop signal (p.Arg141Cysfs*3) in the CLUAP1 gene. It is expected to result in an absent or disrupted protein product. However, the current clinical and genetic evidence is not sufficient to establish whether loss-of-function variants in CLUAP1 cause disease.